The following is an entry in ClinVar:

ClinVar aggregate classification (germline): Uncertain significance (1 of 4 stars; one submission).

Conditions:
Developmental and epileptic encephalopathy, 37 (DEE37). Also called: Epileptic encephalopathy, early infantile, 37. Identifiers: MedGen C4310770, MONDO:0014859, OMIM 616981.

Allele frequency attached by ClinVar (database versions not stated): gnomAD 0.00001; TOPMed 0.00002.

Submission:

Labcorp Genetics (formerly Invitae), Labcorp
Classification: Uncertain significance for Developmental and epileptic encephalopathy, 37. Last evaluated: 2022-07-19. Review status: criteria provided, single submitter. Criteria: Invitae Variant Classification Sherloc (09022015). Collection method: clinical testing. Allele origin: germline.
Comment: This sequence change replaces proline, which is neutral and non-polar, with leucine, which is neutral and non-polar, at codon 316 of the FRRS1L protein (p.Pro316Leu). This variant is not present in population databases (gnomAD no frequency). This variant has not been reported in the literature in individuals affected with FRRS1L-related conditions. ClinVar contains an entry for this variant (Variation ID: 646195). Algorithms developed to predict the effect of missense changes on protein structure and function are either unavailable or do not agree on the potential impact of this missense change (SIFT: "Tolerated"; PolyPhen-2: "Possibly Damaging"; Align-GVGD: "Class C25"). In summary, the available evidence is currently insufficient to determine the role of this variant in disease. Therefore, it has been classified as a Variant of Uncertain Significance.

NM_014334.4(FRRS1L):c.794C>T (p.Pro265Leu)

Gene: FRRS1L (ferric chelate reductase 1 like; minus strand). Cytogenetic location: 9q31.3.
Variant type: single nucleotide variant.
Coding change: c.794C>T on transcript NM_014334.4 (MANE Select); coding-DNA position 794, C replaced by T.
Protein change: p.Pro265Leu; replaces proline 265 with leucine.
Molecular consequence: missense variant.
Genome position (GRCh38, 1-based): chr9:109,137,543, G>A on the plus strand (C>T on the coding strand, the complement: FRRS1L is on the minus strand). VCF-style: chr9-109137543-G-A. GRCh37 (hg19) VCF-style: chr9-111899823-G-A.
Other names: short protein forms P265L.
Identifiers: ClinVar variation 646195 (VCV000646195.8), dbSNP rs1018262344, ClinGen allele CA197560164.
Genomic context (GRCh38, chr9:109,137,543, plus strand): 5'-GTCAGAGCAACAATCAGAAGCAAACAAAATGGAGATGAGAAGGTTTGATAGGCAGCTGAT[G>A]GCATAAAAATGTCTTCATACTTGTAAATACTGACAACACGCTCTGAAGCCGGCGGTGAGT-3'
Protein context (NP_055149.3, residues 255-275): SIYKYEDIFM[Pro265Leu]SAAYQTFSSP